The following is an entry in ClinVar:

ClinVar aggregate classification (germline): Uncertain significance (1 of 4 stars; one submission).

Conditions:
Cardiovascular phenotype. Identifiers: MedGen CN230736.

gnomAD v4.1: 9 of 1,600,980 alleles (0.00056%); highest among the groups gnomAD compares: African/African-American, 0.0013%; no homozygotes.

Submission:

Ambry Genetics
Classification: Uncertain significance for Cardiovascular phenotype. Last evaluated: 2022-08-22. Review status: criteria provided, single submitter. Criteria: Ambry Variant Classification Scheme 2023. Collection method: clinical testing. Allele origin: germline.
Comment: The p.G3308A variant (also known as c.9923G>C), located in coding exon 28 of the TNXB gene, results from a G to C substitution at nucleotide position 9923. The glycine at codon 3308 is replaced by alanine, an amino acid with similar properties. This amino acid position is conserved. In addition, this alteration is predicted to be tolerated by in silico analysis. Since supporting evidence is limited at this time, the clinical significance of this alteration remains unclear.

NM_001365276.2(TNXB):c.9929G>C (p.Gly3310Ala)

Gene: TNXB (tenascin XB; minus strand). Cytogenetic location: 6p21.33.
Variant type: single nucleotide variant.
Coding change: c.9929G>C on transcript NM_001365276.2 (MANE Select); coding-DNA position 9929, G replaced by C.
Protein change: p.Gly3310Ala; replaces glycine 3310 with alanine.
Molecular consequence: missense variant.
Genome position (GRCh38, 1-based): chr6:32,048,479, C>G on the plus strand (G>C on the coding strand, the complement: TNXB is on the minus strand). VCF-style: chr6-32048479-C-G. GRCh37 (hg19) VCF-style: chr6-32016256-C-G.
Other names: c.9923G>C, p.Gly3308Ala (NM_019105.8); short protein forms G3308A, G3310A.
Identifiers: ClinVar variation 1768626 (VCV001768626.2), dbSNP rs1305164810, ClinGen allele CA363533941.